The following is an entry in ClinVar:

NM_001256012.3(MYH10):c.5104A>G (p.Ile1702Val)

Gene: MYH10 (myosin heavy chain 10; minus strand). Cytogenetic location: 17p13.1.
Variant type: single nucleotide variant.
Coding change: c.5104A>G on transcript NM_001256012.3 (MANE Select); coding-DNA position 5104, A replaced by G.
Protein change: p.Ile1702Val; replaces isoleucine 1702 with valine.
Molecular consequence: missense variant.
Genome position (GRCh38, 1-based): chr17:8,484,209, T>C on the plus strand (A>G on the coding strand, the complement: MYH10 is on the minus strand). VCF-style: chr17-8484209-T-C. GRCh37 (hg19) VCF-style: chr17-8387527-T-C.
Other names: c.5011A>G, p.Ile1671Val (NM_005964.5); c.5038A>G, p.Ile1680Val (NM_001256095.2); c.5041A>G, p.Ile1681Val (NM_001375266.1); short protein forms I1671V, I1680V, I1681V, I1702V.
Identifiers: ClinVar variation 3032610 (VCV003032610.2), dbSNP rs780467361, ClinGen allele CA398042833.

ClinVar aggregate classification (germline): Uncertain significance (0 of 4 stars; one submission).

Conditions:
MYH10-related disorder. Also called: MYH10-related condition.

Submission:

PreventionGenetics, part of Exact Sciences
Classification: Uncertain significance for MYH10-related condition. Last evaluated: 2024-01-23. Review status: no assertion criteria provided. Collection method: clinical testing. Allele origin: germline.
Comment: The MYH10 c.5104A>G variant is predicted to result in the amino acid substitution p.Ile1702Val. To our knowledge, this variant has not been reported in the literature or in a large population database, indicating this variant is rare. At this time, the clinical significance of this variant is uncertain due to the absence of conclusive functional and genetic evidence.